The following is an entry in ClinVar:

NM_014324.6(AMACR):c.155C>A (p.Ser52Ter)

Genes: AMACR (alpha-methylacyl-CoA racemase; minus strand), C1QTNF3-AMACR (C1QTNF3-AMACR readthrough (NMD candidate); minus strand). Cytogenetic location: 5p13.2.
Variant type: single nucleotide variant.
Coding change: c.155C>A on transcript NM_014324.6 (MANE Select); coding-DNA position 155, C replaced by A.
Protein change: p.Ser52Ter; replaces serine 52 with a stop codon.
Molecular consequence: nonsense.
Genome position (GRCh38, 1-based): chr5:34,007,865, G>T on the plus strand (C>A on the coding strand, the complement: AMACR is on the minus strand). VCF-style: chr5-34007865-G-T. GRCh37 (hg19) VCF-style: chr5-34007970-G-T.
Other names: c.155C>A, p.Ser52Ter (NM_001167595.2, NM_203382.3); short protein forms S52*.
Identifiers: ClinVar variation 5042567 (VCV005042567.1).

ClinVar aggregate classification (germline): Likely pathogenic (1 of 4 stars; one submission).

Conditions:
Alpha-methylacyl-CoA racemase deficiency (AMACRD). Also called: AMACR deficiency. Identifiers: Orphanet 79095, MedGen C3280428, MONDO:0013681, OMIM 614307. Disease mechanism: loss of function.

gnomAD v4.1: 4 of 1,588,812 alleles (0.00025%); highest among the groups gnomAD compares: Non-Finnish European, 0.00034%; no homozygotes.

Submission:

UAEU Genomics Laboratory, United Arab Emirates University
Classification: Likely pathogenic for Alpha-methylacyl-CoA racemase deficiency. Last evaluated: 2024-09-04. Review status: criteria provided, single submitter. Criteria: ACMG Guidelines, 2015. Collection method: research. Allele origin: germline. Affected: yes. Observed: 1 variant allele.
Comment: PM2, PVS1